The following is an entry in ClinVar:

NM_205836.3(FBXO38):c.1872A>T (p.Glu624Asp)

Gene: FBXO38 (F-box protein 38; plus strand). Cytogenetic location: 5q32.
Variant type: single nucleotide variant.
Coding change: c.1872A>T on transcript NM_205836.3 (MANE Select); coding-DNA position 1872, A replaced by T.
Protein change: p.Glu624Asp; replaces glutamic acid 624 with aspartic acid.
Molecular consequence: missense variant.
Genome position (GRCh38, 1-based): chr5:148,425,655, A>T. VCF-style: chr5-148425655-A-T. GRCh37 (hg19) VCF-style: chr5-147805218-A-T.
Other names: c.1872A>T, p.Glu624Asp (NM_001271723.2, NM_030793.5); short protein forms E624D.
Identifiers: ClinVar variation 2893691 (VCV002893691.3), dbSNP rs2531802812, ClinGen allele CA361655702.

ClinVar aggregate classification (germline): Uncertain significance (1 of 4 stars; one submission).

Conditions:
Distal hereditary motor neuropathy type 2. Identifiers: Orphanet 139525, MedGen C3711384, MeSH C580044, MONDO:0015352.

Allele frequency attached by ClinVar (database versions not stated): gnomAD exomes below 0.00001.
gnomAD v4.1: 1 of 1,614,088 alleles (0.000062%); highest among the groups gnomAD compares: Non-Finnish European, 0.000085%; no homozygotes.

Submission:

Labcorp Genetics (formerly Invitae), Labcorp
Classification: Uncertain significance for Distal hereditary motor neuropathy type 2. Last evaluated: 2023-11-17. Review status: criteria provided, single submitter. Criteria: Invitae Variant Classification Sherloc (09022015). Collection method: clinical testing. Allele origin: germline.
Comment: This sequence change replaces glutamic acid, which is acidic and polar, with aspartic acid, which is acidic and polar, at codon 624 of the FBXO38 protein (p.Glu624Asp). This variant is not present in population databases (gnomAD no frequency). This variant has not been reported in the literature in individuals affected with FBXO38-related conditions. Advanced modeling of protein sequence and biophysical properties (such as structural, functional, and spatial information, amino acid conservation, physicochemical variation, residue mobility, and thermodynamic stability) performed at Invitae indicates that this missense variant is not expected to disrupt FBXO38 protein function with a negative predictive value of 80%. In summary, the available evidence is currently insufficient to determine the role of this variant in disease. Therefore, it has been classified as a Variant of Uncertain Significance.